The following is an entry in ClinVar:

ClinVar aggregate classification (germline): Likely pathogenic. Review status: criteria provided, multiple submitters, no conflicts (2 of 4 stars). 7 submissions from 7 submitters: Likely pathogenic (6). 1 of the submissions does not count toward it. Last evaluated 2026-06-24.

Conditions:
Menke-Hennekam syndrome 1 (MKHK1). Identifiers: MedGen C5193034, MONDO:0020763, OMIM 618332.
CREBBP-related disorder. Also called: CREBBP-related disorders; CREBBP-related condition.

Submissions (7):

Institute of Medical Genetics and Applied Genomics, University Hospital Tübingen
Classification: Likely pathogenic for Menke-Hennekam syndrome 1. Last evaluated: 2026-06-24. Review status: criteria provided, single submitter. Criteria: ACMG Guidelines, 2015. Collection method: clinical testing. Allele origin: germline. Inheritance: Autosomal dominant inheritance. Affected: yes.

PreventionGenetics, part of Exact Sciences
Classification: Likely pathogenic for CREBBP-related condition. Last evaluated: 2026-05-27. Review status: criteria provided, single submitter. Criteria: ACMG Guidelines, 2015. Collection method: clinical testing. Allele origin: germline.
Comment: The CREBBP c.5344G>A variant is predicted to result in the amino acid substitution p.Ala1782Thr. To our knowledge, this variant has not been reported in the literature or in a large population database (gnomAD), indicating it is rare. At PreventionGenetics, we have reported this variant in multiple individuals with neurodevelopmental disorders (Internal Data). This variant has conflicting interpretations in ClinVar ranging from uncertain to likely pathogenic (Variation ID: 591453). An alternate amino acid substitution affecting this same residue (p.Ala1782Val) has been reported to have occurred de novo in an individual with intellectual disability, feeding difficulties, hypothyroidism, decreased mobility, muscle weakness, hammertoes, and pes cavus; however, they also had low level mosaicism for monosomy 20 (Patient C13 in Menke et al. 2018. PubMed ID: 29460469). Given the evidence, the c.5344G>A (p.Ala1782Thr) variant is interpreted as likely pathogenic.

GeneDx
Classification: Likely pathogenic. Last evaluated: 2025-12-30. Review status: criteria provided, single submitter. Criteria: GeneDx Variant Classification Process June 2021. Collection method: clinical testing. Allele origin: germline.
Comment: Not observed at significant frequency in large population cohorts (gnomAD); Has not been previously published as pathogenic or benign to our knowledge; In silico analysis supports that this missense variant has a deleterious effect on protein structure/function; This variant is associated with the following publications: (PMID: Lazaro2020[Thesis], 27311832)

Laboratoire Génétique Moléculaire, CHRU TOURS
Classification: Likely pathogenic for Menke-Hennekam syndrome 1. Last evaluated: 2024-02-20. Review status: criteria provided, single submitter. Criteria: ACMG Guidelines, 2015. Collection method: clinical testing. Allele origin: maternal. Affected: yes.
Comment: The missense variant c.5344G>A, p.(Ala1782Thr) in CREBBP is absent from the population database GnomAD v2.1.1 (PM2). It is located in the mutationnal hot spot coding ZNF3 domain (PM1) associated with Menke-Hennekam syndrom (OMIM #618332) and reported several times in literature (PMID 27311832; PMID 29460469). This variant is predicted to be pathogenic by in silico prediction scores (PP3) and was identified in a proband with phenotypic features compatible with Menke-Hennekam syndrom (PP4).

Greenwood Genetic Center Diagnostic Laboratories, Greenwood Genetic Center
Classification: Likely pathogenic for Menke-Hennekam syndrome 1. Last evaluated: 2022-07-27. Review status: criteria provided, single submitter. Criteria: ACMG Guidelines, 2015. Collection method: clinical testing. Allele origin: germline. Affected: yes.
Comment: PM1, PM2, PM5, PP2, PP3

HudsonAlpha Institute for Biotechnology
Classification: Likely pathogenic for Menke-Hennekam syndrome 1. Last evaluated: 2020-02-04. Review status: criteria provided, single submitter. Criteria: ACMG Guidelines, 2015. Collection method: research. Allele origin: unknown. Observed: 1 heterozygote. Study: HudsonAlpha-AGHI-WGS.

Gharavi Laboratory, Columbia University
Classification: Uncertain significance. Last evaluated: 2018-09-16. Review status: no assertion criteria provided. Criteria: ACMG Guidelines, 2015. Collection method: research. Allele origin: germline. Affected: yes. Not counted in ClinVar's aggregate classification.

NM_004380.3(CREBBP):c.5344G>A (p.Ala1782Thr)

Gene: CREBBP (CREB binding lysine acetyltransferase; minus strand). Cytogenetic location: 16p13.3.
Variant type: single nucleotide variant.
Coding change: c.5344G>A on transcript NM_004380.3 (MANE Select); coding-DNA position 5344, G replaced by A.
Protein change: p.Ala1782Thr; replaces alanine 1782 with threonine.
Molecular consequence: missense variant.
Genome position (GRCh38, 1-based): chr16:3,729,703, C>T on the plus strand (G>A on the coding strand, the complement: CREBBP is on the minus strand). VCF-style: chr16-3729703-C-T. GRCh37 (hg19) VCF-style: chr16-3779704-C-T.
Other names: c.5230G>A, p.Ala1744Thr (NM_001079846.1); short protein forms A1782T, A1744T.
Identifiers: ClinVar variation 591453 (VCV000591453.11), dbSNP rs1567263529, ClinGen allele CA394557094.